The following is an entry in ClinVar:

NM_001105206.3(LAMA4):c.5230C>T (p.Gln1744Ter)

Gene: LAMA4 (laminin subunit alpha 4; minus strand). Cytogenetic location: 6q21.
Variant type: single nucleotide variant.
Coding change: c.5230C>T on transcript NM_001105206.3 (MANE Select); coding-DNA position 5230, C replaced by T.
Protein change: p.Gln1744Ter; replaces glutamine 1744 with a stop codon.
Molecular consequence: nonsense.
Genome position (GRCh38, 1-based): chr6:112,114,172, G>A on the plus strand (C>T on the coding strand, the complement: LAMA4 is on the minus strand). VCF-style: chr6-112114172-G-A. GRCh37 (hg19) VCF-style: chr6-112435375-G-A.
Other names: c.5209C>T (LRG_433t2); c.5209C>T, p.Gln1737Ter (NM_001105207.3, NM_002290.5); short protein forms Q1737*, Q1744*.
Identifiers: ClinVar variation 489021 (VCV000489021.3), dbSNP rs1554322478, ClinGen allele CA365364403.

ClinVar aggregate classification (germline): Uncertain significance. Review status: criteria provided, multiple submitters, no conflicts (2 of 4 stars). 2 submissions from 2 submitters: Uncertain significance (2). Last evaluated 2025-11-19.

Conditions:
Cardiovascular phenotype. Identifiers: MedGen CN230736.

Allele frequency attached by ClinVar (database versions not stated): gnomAD exomes below 0.00001; TOPMed below 0.00001.
gnomAD v4.1: 6 of 1,613,840 alleles (0.00037%); highest among the groups gnomAD compares: African/African-American, 0.0013%; no homozygotes.

Submissions (2):

Ambry Genetics
Classification: Uncertain significance for Cardiovascular phenotype. Last evaluated: 2025-11-19. Review status: criteria provided, single submitter. Criteria: Ambry Variant Classification Scheme 2023. Collection method: clinical testing. Allele origin: germline.
Comment: The p.Q1737* variant (also known as c.5209C>T), located in coding exon 37 of the LAMA4 gene, results from a C to T substitution at nucleotide position 5209. This changes the amino acid from a glutamine to a stop codon within coding exon 37. The evidence for this gene-disease relationship is limited; therefore, the clinical significance of this alteration is unclear.

GeneDx
Classification: Uncertain significance. Last evaluated: 2017-07-10. Review status: criteria provided, single submitter. Criteria: GeneDx Variant Classification (06012015). Collection method: clinical testing. Allele origin: germline. Affected: yes.
Comment: The Q1737X variant of uncertain significance in the LAMA4 gene has not been published as pathogenic or benign to our knowledge. This variant is not observed in large population cohorts (Lek et al., 2016; 1000 Genomes Consortium et al., 2015; Exome Variant Server). In addition, Q1737X is predicted to cause loss of normal protein function either by protein truncation or nonsense-mediated mRNA decay. Nevertheless, only one other nonsense variant in the LAMA4 gene has been reported in Human Gene Mutation Database in association with DCM (Stenson et al., 2014).Therefore, additional evidence is needed to determine whether this variant is pathogenic or benign.